The following is an entry in ClinVar:

NM_001035.3(RYR2):c.1336G>T (p.Asp446Tyr)

Gene: RYR2 (ryanodine receptor 2; plus strand). Cytogenetic location: 1q43.
Variant type: single nucleotide variant.
Coding change: c.1336G>T on transcript NM_001035.3 (MANE Select); coding-DNA position 1336, G replaced by T.
Protein change: p.Asp446Tyr; replaces aspartic acid 446 with tyrosine.
Molecular consequence: missense variant.
Genome position (GRCh38, 1-based): chr1:237,454,434, G>T. VCF-style: chr1-237454434-G-T. GRCh37 (hg19) VCF-style: chr1-237617734-G-T.
Other names: short protein forms D446Y.
Identifiers: ClinVar variation 1770253 (VCV001770253.10), dbSNP rs748867973, ClinGen allele CA39784511.

ClinVar aggregate classification (germline): Uncertain significance. Review status: criteria provided, multiple submitters, no conflicts (2 of 4 stars). 4 submissions from 4 submitters: Uncertain significance (3). 1 of the submissions does not count toward it. Last evaluated 2025-09-04.

Conditions:
Cardiomyopathy (CMYO). Also called: Cardiomyopathies. Identifiers: Orphanet 167848, MedGen C0878544, MONDO:0004994, HP:0001638. Inheritance: Various modes of inheritance.
Catecholaminergic polymorphic ventricular tachycardia 1. Also called: VENTRICULAR TACHYCARDIA, CATECHOLAMINERGIC POLYMORPHIC, 1, WITH OR WITHOUT ATRIAL DYSFUNCTION AND/OR DILATED CARDIOMYOPATHY; VENTRICULAR TACHYCARDIA, STRESS-INDUCED POLYMORPHIC 1; RYR2-Related Catecholaminergic Polymorphic Ventricular Tachycardia. Identifiers: Orphanet 3286, MedGen C1631597, MONDO:0011484, OMIM 604772.
RYR2-related disorder. Also called: RYR2-related condition.
Cardiovascular phenotype. Identifiers: MedGen CN230736.

Allele frequency attached by ClinVar (database versions not stated): TOPMed 0.00002; gnomAD 0.00003.
gnomAD v4.1: 12 of 1,612,840 alleles (0.00074%); highest among the groups gnomAD compares: African/African-American, 0.008%; no homozygotes.

Submissions (4):

Color Diagnostics, LLC DBA Color Health
Classification: Uncertain significance for Cardiomyopathy. Last evaluated: 2025-09-04. Review status: criteria provided, single submitter. Criteria: ACMG Guidelines, 2015. Collection method: clinical testing. Allele origin: germline.
Comment: This missense variant replaces aspartic acid with tyrosine at codon 446 of the RYR2 protein. Computational prediction is inconclusive regarding the impact of this variant on protein structure and function. To our knowledge, functional studies have not been reported for this variant. This variant has not been reported in individuals affected with RYR2-related disorders in the literature. This variant has been identified in 3/279230 chromosomes in the general population by the Genome Aggregation Database (gnomAD). The available evidence is insufficient to determine the role of this variant in disease conclusively. Therefore, this variant is classified as a Variant of Uncertain Significance.

Labcorp Genetics (formerly Invitae), Labcorp
Classification: Uncertain significance for Catecholaminergic polymorphic ventricular tachycardia 1. Last evaluated: 2025-06-23. Review status: criteria provided, single submitter. Criteria: Invitae Variant Classification Sherloc (09022015). Collection method: clinical testing. Allele origin: germline.
Comment: This sequence change replaces aspartic acid, which is acidic and polar, with tyrosine, which is neutral and polar, at codon 446 of the RYR2 protein (p.Asp446Tyr). This variant is present in population databases (no rsID available, gnomAD 0.008%). This variant has not been reported in the literature in individuals affected with RYR2-related conditions. ClinVar contains an entry for this variant (Variation ID: 1770253). Invitae Evidence Modeling of protein sequence and biophysical properties (such as structural, functional, and spatial information, amino acid conservation, physicochemical variation, residue mobility, and thermodynamic stability) indicates that this missense variant is not expected to disrupt RYR2 protein function with a negative predictive value of 95%. In summary, the available evidence is currently insufficient to determine the role of this variant in disease. Therefore, it has been classified as a Variant of Uncertain Significance.

Ambry Genetics
Classification: Uncertain significance for Cardiovascular phenotype. Last evaluated: 2022-11-28. Review status: criteria provided, single submitter. Criteria: Ambry Variant Classification Scheme 2023. Collection method: clinical testing. Allele origin: germline.
Comment: The p.D446Y variant (also known as c.1336G>T), located in coding exon 15 of the RYR2 gene, results from a G to T substitution at nucleotide position 1336. The aspartic acid at codon 446 is replaced by tyrosine, an amino acid with highly dissimilar properties. This amino acid position is well conserved in available vertebrate species. In addition, the in silico prediction for this alteration is inconclusive. Since supporting evidence is limited at this time, the clinical significance of this alteration remains unclear.

PreventionGenetics, part of Exact Sciences
Classification: Uncertain significance for RYR2-related condition. Last evaluated: 2024-02-29. Review status: no assertion criteria provided. Collection method: clinical testing. Allele origin: germline. Not counted in ClinVar's aggregate classification.
Comment: The RYR2 c.1336G>T variant is predicted to result in the amino acid substitution p.Asp446Tyr. To our knowledge, this variant has not been reported in the literature. This variant is reported in 0.0083% of alleles in individuals of African descent in gnomAD. At this time, the clinical significance of this variant is uncertain due to the absence of conclusive functional and genetic evidence.